The following is an entry in ClinVar:

ClinVar aggregate classification (germline): Uncertain significance (1 of 4 stars; one submission).

Conditions:
Long QT syndrome (LQTS). Identifiers: MedGen C0023976, MeSH D008133, MONDO:0002442. Disease mechanism: loss of function. Inheritance: Various modes of inheritance.

Submission:

Labcorp Genetics (formerly Invitae), Labcorp
Classification: Uncertain significance for Long QT syndrome. Last evaluated: 2022-09-23. Review status: criteria provided, single submitter. Criteria: Invitae Variant Classification Sherloc (09022015). Collection method: clinical testing. Allele origin: germline.
Comment: A copy number gain of the genomic region encompassing the full coding sequence of the KCNH2 gene has been identified. The boundaries of this event are unknown as they extend beyond the assayed region for this gene and therefore may encompass additional genes. As the precise location of this event is unknown, it may be in tandem or it may be located elsewhere in the genome. This variant has not been reported in the literature in individuals affected with KCNH2-related conditions. In summary, the available evidence is currently insufficient to determine the role of this variant in disease. Therefore, it has been classified as a Variant of Uncertain Significance.

NC_000007.13:g.(?_150642453)_(150675001_?)dup

Gene: KCNH2 (potassium voltage-gated channel subfamily H member 2; minus strand). Cytogenetic location: 7q36.1.
Variant type: Duplication.
Identifiers: ClinVar variation 2422623 (VCV002422623.3).